The following is an entry in ClinVar:

ClinVar aggregate classification (germline): Uncertain significance. Review status: criteria provided, multiple submitters, no conflicts (2 of 4 stars). 4 submissions from 4 submitters: Uncertain significance (3). 1 of the submissions does not count toward it. Last evaluated 2026-04-14.

Conditions:
ATP8B1-related disorder. Also called: ATP8B1-related condition; ATP8B1-related disorders.
Progressive familial intrahepatic cholestasis type 1. Also called: BYLER DISEASE; Byler's disease; Severe ATP8B1 Deficiency (Progressive Familial Intrahepatic Cholestasis Type 1 [PFIC1]). Identifiers: Orphanet 79306, MedGen C4551898, MONDO:0008892, OMIM 211600.
Familial intrahepatic cholestasis. Identifiers: Orphanet 284385, MedGen CN296401, MONDO:0017290.

Allele frequency attached by ClinVar (database versions not stated): ESP Exome Variant Server 0.00008; TOPMed 0.00012; gnomAD 0.00017 and 0.00019; gnomAD exomes 0.00021 and 0.00025; ExAC 0.00024.
gnomAD v4.1: 387 of 1,607,076 alleles (0.024%); highest among the groups gnomAD compares: Non-Finnish European, 0.027%; no homozygotes.

Submissions (4):

Genomenon, Inc
Classification: Uncertain significance for Familial intrahepatic cholestasis. Last evaluated: 2026-04-14. Review status: criteria provided, single submitter. Criteria: Genomenon Sequence Variant Interpretation Standards - Updated. Collection method: curation. Allele origin: germline. Affected: no.
Comment: ATP8B1 c.555-3T>C is an intronic variant located in the acceptor splice region of intron 6. This variant has been reported in the published literature (PMID:24260417). It is absent or not present at a significant frequency in gnomAD. In silico models predict that this variant is not damaging. In conclusion, we classify ATP8B1 c.555-3T>C as a variant of uncertain significance.

Illumina Laboratory Services, Illumina
Classification: Uncertain significance for Progressive familial intrahepatic cholestasis type 1. Last evaluated: 2017-07-09. Review status: criteria provided, single submitter. Criteria: ICSL Variant Classification Criteria 13 December 2019. Collection method: clinical testing. Allele origin: germline.
Comment: This variant was observed as part of a predisposition screen in an ostensibly healthy population. A literature search was performed for the gene, cDNA change, and amino acid change (where applicable). Publications were found based on this search. However, the evidence from the literature, in combination with allele frequency data from public databases where available, was not sufficient to rule this variant in or out of causing disease. Therefore, this variant is classified as a variant of unknown significance.

Eurofins Ntd Llc (ga)
Classification: Uncertain significance. Last evaluated: 2016-12-28. Review status: criteria provided, single submitter. Criteria: EGL Classification Definitions 2015. Collection method: clinical testing. Allele origin: germline. Observed: 1 variant allele, 1 heterozygote.

PreventionGenetics, part of Exact Sciences
Classification: Likely benign for ATP8B1-related condition. Last evaluated: 2024-03-08. Review status: no assertion criteria provided. Collection method: clinical testing. Allele origin: germline. Not counted in ClinVar's aggregate classification.
Comment: This variant is classified as likely benign based on ACMG/AMP sequence variant interpretation guidelines (Richards et al. 2015 PMID: 25741868, with internal and published modifications).

Literature cited by the submitters: PubMed 24260417 (cited by Genomenon, Inc and Illumina Laboratory Services, Illumina).

NM_001374385.1(ATP8B1):c.555-3T>C

Gene: ATP8B1 (ATPase phospholipid transporting 8B1; minus strand). Cytogenetic location: 18q21.31.
Variant type: single nucleotide variant.
Coding change: c.555-3T>C on transcript NM_001374385.1 (MANE Select); 3 bases into the intron before coding-DNA position 555, T replaced by C.
Molecular consequence: intron variant.
Genome position (GRCh38, 1-based): chr18:57,697,870, A>G on the plus strand (T>C on the coding strand, the complement: ATP8B1 is on the minus strand). VCF-style: chr18-57697870-A-G. GRCh37 (hg19) VCF-style: chr18-55365102-A-G.
Other names: c.555-3T>C (NM_005603.6); c.405-3T>C (NM_001374386.1).
Identifiers: ClinVar variation 499475 (VCV000499475.11), dbSNP rs367948617, ClinGen allele CA8974800.